The following is an entry in ClinVar:

NM_001540.5(HSPB1):c.365-7C>T

Gene: HSPB1 (heat shock protein family B (small) member 1; plus strand). Cytogenetic location: 7q11.23.
Variant type: single nucleotide variant.
Coding change: c.365-7C>T on transcript NM_001540.5 (MANE Select); 7 bases into the intron before coding-DNA position 365, C replaced by T.
Molecular consequence: intron variant.
Genome position (GRCh38, 1-based): chr7:76,303,795, C>T. VCF-style: chr7-76303795-C-T. GRCh37 (hg19) VCF-style: chr7-75933112-C-T.
Identifiers: ClinVar variation 910590 (VCV000910590.4), dbSNP rs201897299, ClinGen allele CA4306357.

ClinVar aggregate classification (germline): Benign. Review status: criteria provided, single submitter (1 of 4 stars). 2 submissions from 1 submitter: Benign (2). Last evaluated 2017-08-02.

Conditions:
Charcot-Marie-Tooth disease axonal type 2F (CMT2F). Also called: CHARCOT-MARIE-TOOTH DISEASE, NEURONAL, TYPE 2F; Charcot-Marie-Tooth Neuropathy Type 2F. Identifiers: Orphanet 99940, MedGen C1847823, MONDO:0011687, OMIM 606595.
Neuronopathy, distal hereditary motor, type 2B. Also called: NEURONOPATHY, DISTAL HEREDITARY MOTOR, AUTOSOMAL DOMINANT 3; NEURONOPATHY, DISTAL HEREDITARY MOTOR, HARDING TYPE IIB; NEUROPATHY, DISTAL HEREDITARY MOTOR, HARDING TYPE IIB; HMN IIB. Identifiers: Orphanet 139525, MedGen C2608087, MONDO:0012080, OMIM 608634.

Allele frequency attached by ClinVar (database versions not stated): 1000 Genomes Project 30x 0.00016; 1000 Genomes Project 0.00020.
gnomAD v4.1: 80 of 1,610,766 alleles (0.005%); highest among the groups gnomAD compares: East Asian, 0.17%; 1 homozygote.

Submissions (2):

Illumina Laboratory Services, Illumina
Classification: Benign for Neuronopathy, distal hereditary motor, type 2B. Last evaluated: 2017-08-02. Review status: criteria provided, single submitter. Criteria: ICSL Variant Classification Criteria 13 December 2019. Collection method: clinical testing. Allele origin: germline.
Comment: This variant was observed as part of a predisposition screen in an ostensibly healthy population. A literature search was performed for the gene, cDNA change, and amino acid change (where applicable). No publications were found based on this search. Allele frequency data from public databases was too high to be consistent with this variant causing disease. Therefore, this variant is classified as benign.

Illumina Laboratory Services, Illumina
Classification: Benign for Charcot-Marie-Tooth disease axonal type 2F. Last evaluated: 2017-08-02. Review status: criteria provided, single submitter. Criteria: ICSL Variant Classification Criteria 13 December 2019. Collection method: clinical testing. Allele origin: germline.
Comment: the same text as in the submission from Illumina Laboratory Services, Illumina above.